The following is an entry in ClinVar:

NM_024635.4(NAA35):c.436A>G (p.Met146Val)

Gene: NAA35 (N-alpha-acetyltransferase 35, NatC auxiliary subunit; plus strand). Cytogenetic location: 9q21.33.
Variant type: single nucleotide variant.
Coding change: c.436A>G on transcript NM_024635.4 (MANE Select); coding-DNA position 436, A replaced by G.
Protein change: p.Met146Val; replaces methionine 146 with valine.
Molecular consequence: missense variant.
Genome position (GRCh38, 1-based): chr9:85,962,100, A>G. VCF-style: chr9-85962100-A-G. GRCh37 (hg19) VCF-style: chr9-88577015-A-G.
Other names: c.436A>G, p.Met146Val (NM_001321881.2, NM_001321882.2); c.436A>G (NM_024635.3); short protein forms M146V.
Identifiers: ClinVar variation 2160633 (VCV002160633.5), dbSNP rs149812553, ClinGen allele CA5107135.

ClinVar aggregate classification (germline): Uncertain significance. Review status: criteria provided, multiple submitters, no conflicts (2 of 4 stars). 2 submissions from 2 submitters: Uncertain significance (2). Last evaluated 2025-10-14.

Allele frequency attached by ClinVar (database versions not stated): ESP Exome Variant Server 0.00015; 1000 Genomes Project 30x 0.00016; TOPMed 0.00018; 1000 Genomes Project 0.00020; ExAC 0.00057; gnomAD 0.00059.

Submissions (2):

Labcorp Genetics (formerly Invitae), Labcorp
Classification: Uncertain significance. Last evaluated: 2025-10-14. Review status: criteria provided, single submitter. Criteria: Invitae Variant Classification Sherloc (09022015). Collection method: clinical testing. Allele origin: germline.
Comment: This sequence change replaces methionine, which is neutral and non-polar, with valine, which is neutral and non-polar, at codon 146 of the NAA35 protein (p.Met146Val). This variant is present in population databases (rs149812553, gnomAD 0.1%), and has an allele count higher than expected for a pathogenic variant. This variant has not been reported in the literature in individuals affected with NAA35-related conditions. ClinVar contains an entry for this variant (Variation ID: 2160633). An algorithm developed to predict the effect of missense changes on protein structure and function (PolyPhen-2) suggests that this variant is likely to be tolerated. In summary, the available evidence is currently insufficient to determine the role of this variant in disease. Therefore, it has been classified as a Variant of Uncertain Significance.

Ambry Genetics
Classification: Uncertain significance. Last evaluated: 2021-10-05. Review status: criteria provided, single submitter. Criteria: Ambry Variant Classification Scheme 2023. Collection method: clinical testing. Allele origin: germline.